The following is an entry in ClinVar:

ClinVar aggregate classification (germline): Uncertain significance. Review status: criteria provided, multiple submitters, no conflicts (2 of 4 stars). 2 submissions from 2 submitters: Uncertain significance (2). Last evaluated 2024-12-04.

Conditions:
Emery-Dreifuss muscular dystrophy 5, autosomal dominant (EDMD5). Also called: EMERY-DREIFUSS MUSCULAR DYSTROPHY 5. Identifiers: Orphanet 261, MedGen C2751805, MONDO:0013072, OMIM 612999.

Submissions (2):

Labcorp Genetics (formerly Invitae), Labcorp
Classification: Uncertain significance for Emery-Dreifuss muscular dystrophy 5, autosomal dominant. Last evaluated: 2024-12-04. Review status: criteria provided, single submitter. Criteria: Invitae Variant Classification Sherloc (09022015). Collection method: clinical testing. Allele origin: germline.
Comment: This sequence change creates a premature translational stop signal (p.Glu396*) in the SYNE2 gene. It is expected to result in an absent or disrupted protein product. However, the current clinical and genetic evidence is not sufficient to establish whether loss-of-function variants in SYNE2 cause disease. This variant is not present in population databases (gnomAD no frequency). This variant has not been reported in the literature in individuals affected with SYNE2-related conditions. ClinVar contains an entry for this variant (Variation ID: 1685158). In summary, the available evidence is currently insufficient to determine the role of this variant in disease. Therefore, it has been classified as a Variant of Uncertain Significance.

Mendelics
Classification: Uncertain significance. Last evaluated: 2022-05-04. Review status: criteria provided, single submitter. Criteria: Mendelics Assertion Criteria 2019. Collection method: clinical testing. Allele origin: germline.

NM_182914.3(SYNE2):c.1186G>T (p.Glu396Ter)

Gene: SYNE2 (spectrin repeat containing nuclear envelope protein 2; plus strand). Cytogenetic location: 14q23.2.
Variant type: single nucleotide variant.
Coding change: c.1186G>T on transcript NM_182914.3 (MANE Select); coding-DNA position 1186, G replaced by T.
Protein change: p.Glu396Ter; replaces glutamic acid 396 with a stop codon.
Molecular consequence: nonsense.
Genome position (GRCh38, 1-based): chr14:63,976,620, G>T. VCF-style: chr14-63976620-G-T. GRCh37 (hg19) VCF-style: chr14-64443338-G-T.
Other names: c.1186G>T, p.Glu396Ter (NM_015180.6); short protein forms E396*.
Identifiers: ClinVar variation 1685158 (VCV001685158.3), dbSNP rs1405666656, ClinGen allele CA389955147.